The following is an entry in ClinVar:

ClinVar aggregate classification (germline): Conflicting classifications of pathogenicity. Review status: criteria provided, conflicting classifications (1 of 4 stars). 6 submissions from 6 submitters: Uncertain significance (5); Likely benign (1). Last evaluated 2025-08-20.

Conditions:
MYBPC3-related disorder. Also called: MYBPC3-related disorders; MYBPC3-related condition; MYBPC3-related disease.
Cardiovascular phenotype. Identifiers: MedGen CN230736.
Cardiomyopathy (CMYO). Also called: Cardiomyopathies. Identifiers: Orphanet 167848, MedGen C0878544, MONDO:0004994, HP:0001638. Inheritance: Various modes of inheritance.
Hypertrophic cardiomyopathy. Also called: HYPERTROPHIC MYOCARDIOPATHY. Identifiers: Orphanet 217569, MedGen C0007194, MeSH D002312, MONDO:0005045, HP:0001639.

Allele frequency attached by ClinVar (database versions not stated): 1000 Genomes Project 0.00020; 1000 Genomes Project 30x 0.00031.

Submissions (6):

Ambry Genetics
Classification: Likely benign for Cardiovascular phenotype. Last evaluated: 2025-08-20. Review status: criteria provided, single submitter. Criteria: Ambry Variant Classification Scheme 2023. Collection method: clinical testing. Allele origin: germline.

PreventionGenetics, part of Exact Sciences
Classification: Uncertain significance for MYBPC3-related condition. Last evaluated: 2025-06-10. Review status: criteria provided, single submitter. Criteria: ACMG Guidelines, 2015. Collection method: clinical testing. Allele origin: germline.
Comment: The MYBPC3 c.151G>A variant is predicted to result in the amino acid substitution p.Ala51Thr. To our knowledge, this variant has not been reported in the literature. This variant is reported in 0.0089% of alleles in individuals of Latino descent in gnomAD. At this time, the clinical significance of this variant is uncertain due to the absence of conclusive functional and genetic evidence.

GeneDx
Classification: Uncertain significance. Last evaluated: 2024-03-18. Review status: criteria provided, single submitter. Criteria: GeneDx Variant Classification Process June 2021. Collection method: clinical testing. Allele origin: germline. Affected: yes.
Comment: Has not been previously published as pathogenic or benign to our knowledge; Not observed at significant frequency in large population cohorts (gnomAD); In silico analysis supports that this missense variant does not alter protein structure/function

Labcorp Genetics (formerly Invitae), Labcorp
Classification: Uncertain significance for Hypertrophic cardiomyopathy. Last evaluated: 2023-12-01. Review status: criteria provided, single submitter. Criteria: Invitae Variant Classification Sherloc (09022015). Collection method: clinical testing. Allele origin: germline.
Comment: This sequence change replaces alanine, which is neutral and non-polar, with threonine, which is neutral and polar, at codon 51 of the MYBPC3 protein (p.Ala51Thr). The frequency data for this variant in the population databases is considered unreliable, as metrics indicate poor data quality at this position in the gnomAD database. This variant has not been reported in the literature in individuals affected with MYBPC3-related conditions. ClinVar contains an entry for this variant (Variation ID: 418350). Algorithms developed to predict the effect of missense changes on protein structure and function output the following: SIFT: "Not Available"; PolyPhen-2: "Benign"; Align-GVGD: "Not Available". The threonine amino acid residue is found in multiple mammalian species, which suggests that this missense change does not adversely affect protein function. In summary, the available evidence is currently insufficient to determine the role of this variant in disease. Therefore, it has been classified as a Variant of Uncertain Significance.

All of Us Research Program, National Institutes of Health
Classification: Uncertain significance for Hypertrophic cardiomyopathy. Last evaluated: 2023-11-02. Review status: criteria provided, single submitter. Criteria: ACMG Guidelines, 2015. Collection method: clinical testing. Allele origin: germline. Inheritance: Autosomal dominant inheritance. Observed: 1 variant allele, 1 heterozygote.
Comment: This missense variant replaces alanine with threonine at codon 51 of the MYBPC3 protein. Computational prediction tools and conservation analyses are inconclusive regarding the impact of this variant on the protein function. Computational splicing tools suggest that this variant may not impact RNA splicing. To our knowledge, functional assays have not been performed for this variant nor has this variant been reported in individuals affected with cardiovascular disorders in the literature. This variant has been identified in 3/239086 chromosomes in the general population by the Genome Aggregation Database (gnomAD). Available evidence is insufficient to determine the role of this variant in disease conclusively. Therefore, this variant is classified as a Variant of Uncertain Significance.

This study involves interpretation of variants in research participants for the purpose of population health screening. Participant phenotype was not available at the time of variant classification. Additional details can be found in publication PMID: 35346344, PMCID: PMC8962531

Color Diagnostics, LLC DBA Color Health
Classification: Uncertain significance for Cardiomyopathy. Last evaluated: 2023-10-11. Review status: criteria provided, single submitter. Criteria: ACMG Guidelines, 2015. Collection method: clinical testing. Allele origin: germline.
Comment: This missense variant replaces alanine with threonine at codon 51 of the MYBPC3 protein. Computational prediction suggests that this variant may not impact protein structure and function (internally defined REVEL score threshold <= 0.5, PMID: 27666373). To our knowledge, functional studies have not been reported for this variant. This variant has not been reported in individuals affected with MYBPC3-related disorders in the literature. This variant has been identified in 3/239086 chromosomes in the general population by the Genome Aggregation Database (gnomAD). The available evidence is insufficient to determine the role of this variant in disease conclusively. Therefore, this variant is classified as a Variant of Uncertain Significance.

NM_000256.3(MYBPC3):c.151G>A (p.Ala51Thr)

Gene: MYBPC3 (myosin binding protein C3; minus strand). Cytogenetic location: 11p11.2.
Variant type: single nucleotide variant.
Coding change: c.151G>A on transcript NM_000256.3 (MANE Select); coding-DNA position 151, G replaced by A.
Protein change: p.Ala51Thr; replaces alanine 51 with threonine.
Molecular consequence: missense variant.
Genome position (GRCh38, 1-based): chr11:47,351,380, C>T on the plus strand (G>A on the coding strand, the complement: MYBPC3 is on the minus strand). VCF-style: chr11-47351380-C-T. GRCh37 (hg19) VCF-style: chr11-47372931-C-T.
Other names: c.151G>A, p.Ala51Thr (LRG_386t1); short protein forms A51T.
Identifiers: ClinVar variation 418350 (VCV000418350.20), dbSNP rs534282225, ClinGen allele CA045598.